The following is an entry in ClinVar:

NM_001368882.1(COL13A1):c.549G>A (p.Pro183=)

Gene: COL13A1 (collagen type XIII alpha 1 chain; plus strand). Cytogenetic location: 10q22.1.
Variant type: single nucleotide variant.
Coding change: c.549G>A on transcript NM_001368882.1 (MANE Select); coding-DNA position 549, G replaced by A.
Protein change: p.Pro183=; no amino-acid change (proline 183 retained).
Molecular consequence: synonymous variant. On other transcripts: 5 prime UTR variant (1).
Genome position (GRCh38, 1-based): chr10:69,887,491, G>A. VCF-style: chr10-69887491-G-A. GRCh37 (hg19) VCF-style: chr10-71647247-G-A.
Other names: c.522G>A, p.Pro174= (NM_001130103.2, NM_080800.4, NM_080801.4 and 1 more transcripts); c.549G>A, p.Pro183= (NM_001320951.2, NM_001368884.1); c.513G>A, p.Pro171= (NM_001368883.1, NM_001368885.1); c.-52G>A (NM_001368886.1); c.459G>A, p.Pro153= (NM_001368895.1); c.408G>A, p.Pro136= (NM_001368896.1, NM_001368898.1, NM_080798.4); c.435G>A, p.Pro145= (NM_001368897.1, NM_080805.4).
Identifiers: ClinVar variation 2076495 (VCV002076495.1), dbSNP rs199799516, ClinGen allele CA5534237.

ClinVar aggregate classification (germline): Uncertain significance (1 of 4 stars; one submission).

Allele frequency attached by ClinVar (database versions not stated): ExAC 0.00003; gnomAD 0.00007; ESP Exome Variant Server 0.00008; 1000 Genomes Project 30x 0.00016; 1000 Genomes Project 0.00020.
gnomAD v4.1: 33 of 1,613,402 alleles (0.002%); highest among the groups gnomAD compares: East Asian, 0.027%; no homozygotes.

Submission:

Labcorp Genetics (formerly Invitae), Labcorp
Classification: Uncertain significance. Last evaluated: 2022-05-29. Review status: criteria provided, single submitter. Criteria: Invitae Variant Classification Sherloc (09022015). Collection method: clinical testing. Allele origin: germline.
Comment: This sequence change affects codon 174 of the COL13A1 mRNA. It is a 'silent' change, meaning that it does not change the encoded amino acid sequence of the COL13A1 protein. This variant also falls at the last nucleotide of exon 7, which is part of the consensus splice site for this exon. This variant is present in population databases (rs199799516, gnomAD 0.03%). This variant has not been reported in the literature in individuals affected with COL13A1-related conditions. Variants that disrupt the consensus splice site are a relatively common cause of aberrant splicing (PMID: 17576681, 9536098). Algorithms developed to predict the effect of sequence changes on RNA splicing suggest that this variant may create or strengthen a splice site. In summary, the available evidence is currently insufficient to determine the role of this variant in disease. Therefore, it has been classified as a Variant of Uncertain Significance.

Literature cited by the submitters: PubMed 17576681; PubMed 9536098.